The following is an entry in ClinVar:

ClinVar aggregate classification (germline): Likely pathogenic (1 of 4 stars; one submission).

Conditions:
Developmental and epileptic encephalopathy, 28 (DEE28). Also called: Epileptic encephalopathy, early infantile, 28. Identifiers: Orphanet 442835, MedGen C4015519, MONDO:0014533, OMIM 616211.

Submission:

Illumina Laboratory Services, Illumina
Classification: Likely pathogenic for Developmental and epileptic encephalopathy, 28. Last evaluated: 2025-10-22. Review status: criteria provided, single submitter. Criteria: ISL SNV Classification Criteria 19 June 2025. Collection method: clinical testing. Allele origin: inherited. Inheritance: Autosomal recessive inheritance. Affected: yes.
Comment: The WWOX c.605+5G>A variant occurs in a splice donor region. In silico prediction tools suggest that this variant may result in splice defects; however, this has not been verified experimentally. Based on the available evidence, the WWOX c.605+5G>A variant is classified as likely pathogenic for developmental and epileptic encephalopathy.

This variant is being submitted as a correction to a deleted SCV.

Literature cited by the submitters: PubMed 36537114.

NM_016373.4(WWOX):c.517-33804G>A

Gene: WWOX (WW domain containing oxidoreductase; plus strand). Cytogenetic location: 16q23.1.
Variant type: single nucleotide variant.
Coding change: c.517-33804G>A on transcript NM_016373.4 (MANE Select); 33804 bases into the intron before coding-DNA position 517, G replaced by A.
Molecular consequence: intron variant.
Genome position (GRCh38, 1-based): chr16:78,353,056, G>A. VCF-style: chr16-78353056-G-A. GRCh37 (hg19) VCF-style: chr16-78386953-G-A.
Other names: c.178-33804G>A (NM_001291997.2).
Identifiers: ClinVar variation 4294336 (VCV004294336.1).